The following is an entry in ClinVar:

ClinVar aggregate classification (germline): Pathogenic. Review status: reviewed by expert panel (3 of 4 stars). 3 submissions from 3 submitters: Pathogenic (1). 2 of the submissions do not count toward it. Last evaluated 2016-10-18.

Conditions:
BRCA2-related disorder. Also called: BRCA2-related condition; BRCA2-related disorders. Identifiers: MedGen CN239275.
Breast-ovarian cancer, familial, susceptibility to, 2 (BROVCA2). Also called: BRCA2 Hereditary Breast and Ovarian Cancer. Identifiers: Orphanet 145, MedGen C2675520, MONDO:0012933, OMIM 612555. Disease mechanism: loss of function.

Submissions (3):

Evidence-based Network for the Interpretation of Germline Mutant Alleles (ENIGMA)
Classification: Pathogenic for Breast-ovarian cancer, familial, susceptibility to, 2. Last evaluated: 2016-10-18. Review status: reviewed by expert panel. Criteria: ENIGMA BRCA1/2 Classification Criteria (2015). Collection method: curation. Allele origin: germline.
Comment: Variant allele predicted to encode a truncated non-functional protein.

Blueprint Genetics
Classification: Likely pathogenic for BRCA2-related disorders. Last evaluated: 2024-04-16. Review status: criteria provided, single submitter. Criteria: ACMG Guidelines, 2015. Collection method: clinical testing. Allele origin: germline. Affected: yes. Observed: 1 variant allele. Not counted in ClinVar's aggregate classification.

Consortium of Investigators of Modifiers of BRCA1/2 (CIMBA), c/o University of Cambridge
Classification: Pathogenic for Breast-ovarian cancer, familial, susceptibility to, 2. Last evaluated: 2015-10-02. Review status: criteria provided, single submitter. Criteria: CIMBA Mutation Classification guidelines May 2016. Collection method: clinical testing. Allele origin: germline. Not counted in ClinVar's aggregate classification.

NM_000059.4(BRCA2):c.4334_4338del (p.Lys1445fs)

Gene: BRCA2 (BRCA2 DNA repair associated; plus strand). Cytogenetic location: 13q13.1.
Variant type: Deletion.
Coding change: c.4334_4338del on transcript NM_000059.4 (MANE Select); coding-DNA positions 4334 to 4338, 5 bases deleted (AAATT; older notation c.4334_4338delAAATT).
Protein change: p.Lys1445fs; shifts the reading frame from lysine 1445.
Molecular consequence: frameshift variant.
Genome position (GRCh38, 1-based): chr13:32,338,689-32,338,693, AAATT deleted. VCF-style (leftmost placement, unchanged base first): chr13-32338688-AAAATT-A. GRCh37 (hg19) VCF-style: chr13-32912825-AAAATT-A.
Other names: 4562del5; short protein forms K1445fs.
Identifiers: ClinVar variation 266805 (VCV000266805.6), dbSNP rs886040524, ClinGen allele CA10589253.